The following is an entry in ClinVar:

NM_006031.6(PCNT):c.3759G>A (p.Glu1253=)

Gene: PCNT (pericentrin; plus strand). Cytogenetic location: 21q22.3.
Variant type: single nucleotide variant.
Coding change: c.3759G>A on transcript NM_006031.6 (MANE Select); coding-DNA position 3759, G replaced by A.
Protein change: p.Glu1253=; no amino-acid change (glutamic acid 1253 retained).
Molecular consequence: synonymous variant.
Genome position (GRCh38, 1-based): chr21:46,389,350, G>A. VCF-style: chr21-46389350-G-A. GRCh37 (hg19) VCF-style: chr21-47809265-G-A.
Other names: c.3405G>A, p.Glu1135= (NM_001315529.2).
Identifiers: ClinVar variation 3344385 (VCV003344385.1).

ClinVar aggregate classification (germline): Likely benign (0 of 4 stars; one submission).

Conditions:
PCNT-related disorder. Also called: PCNT-related condition.

gnomAD v4.1: 2 of 1,614,242 alleles (0.00012%); highest among the groups gnomAD compares: Non-Finnish European, 0.00017%; no homozygotes.

Submission:

PreventionGenetics, part of Exact Sciences
Classification: Likely benign for PCNT-related condition. Last evaluated: 2024-05-22. Review status: no assertion criteria provided. Collection method: clinical testing. Allele origin: germline.
Comment: This variant is classified as likely benign based on ACMG/AMP sequence variant interpretation guidelines (Richards et al. 2015 PMID: 25741868, with internal and published modifications).